The following is an entry in ClinVar:

ClinVar aggregate classification (germline): Benign (1 of 4 stars; one submission).

Submission:

Laboratory for Molecular Medicine, Mass General Brigham Personalized Medicine
Classification: Benign. Last evaluated: 2016-03-28. Review status: criteria provided, single submitter. Criteria: LMM Criteria. Collection method: clinical testing. Allele origin: germline.
Comment: Variant identified in a genome or exome case(s) and assessed due to predicted null impact of the variant or pathogenic assertions in the literature or databases. Disclaimer: This variant has not undergone full assessment. The following are preliminary notes: Frequency in 1000Genomes: 896/2178=41.1%

NM_001004450.3(OR1B1):c.35dup (p.Leu14Phefs)

Gene: OR1B1 (olfactory receptor family 1 subfamily B member 1; minus strand). Cytogenetic location: 9q33.2.
Variant type: Duplication.
Coding change: c.35dup on transcript NM_001004450.3; coding-DNA position 35, one base duplicated (T; older notation c.35dupT).
Protein change: p.Leu14Phefs; shifts the reading frame from leucine 14.
Molecular consequence: frameshift variant.
Genome position (GRCh38, 1-based): chr9:122,629,492, A duplicated on the plus strand (T on the coding strand, the reverse complement: OR1B1 is on the minus strand); the first of 7 consecutive A bases (chr9:122,629,492-122,629,498); duplicating any one gives the same sequence. VCF-style (leftmost placement, unchanged base first): chr9-122629491-C-CA. GRCh37 (hg19) VCF-style: chr9-125391770-C-CA.
Other names: p.Leu15PhefsX9; c.44dupT (NM_001004450.1); c.35dup, p.Leu14Phefs (NM_001409693.1); short protein forms L14fs.
Identifiers: ClinVar variation 403271 (VCV000403271.4), dbSNP rs11421222, ClinGen allele CA5226835.